The following is an entry in ClinVar:

NM_005188.4(CBL):c.148A>G (p.Thr50Ala)

Genes: CBL (Cbl proto-oncogene; plus strand), LOC130006895 (ATAC-STARR-seq lymphoblastoid silent region 3975; plus strand). Cytogenetic location: 11q23.3.
Variant type: single nucleotide variant.
Coding change: c.148A>G on transcript NM_005188.4 (MANE Select); coding-DNA position 148, A replaced by G.
Protein change: p.Thr50Ala; replaces threonine 50 with alanine.
Molecular consequence: missense variant.
Genome position (GRCh38, 1-based): chr11:119,206,565, A>G. VCF-style: chr11-119206565-A-G. GRCh37 (hg19) VCF-style: chr11-119077275-A-G.
Other names: short protein forms T50A.
Identifiers: ClinVar variation 4219879 (VCV004219879.1).
Genomic context (GRCh38, chr11:119,206,565, plus strand): 5'-AAGGACGCCTTCCAGCCGCACCACCACCACCACCACCACCTCAGCCCCCACCCGCCGGGG[A>G]CGGTGGACAAGAAGATGGTGGAGAAGTGCTGGAAGCTCATGGACAAGGTGAAAGGCCGGC-3'
Protein context (NP_005179.2, residues 40-60): HHHLSPHPPG[Thr50Ala]VDKKMVEKCW

ClinVar aggregate classification (germline): Uncertain significance (1 of 4 stars; one submission).

Conditions:
Cardiovascular phenotype. Identifiers: MedGen CN230736.

gnomAD v4.1: 1 of 1,549,412 alleles (0.000065%); highest among the groups gnomAD compares: East Asian, 0.0024%; no homozygotes.

Submission:

Ambry Genetics
Classification: Uncertain significance for Cardiovascular phenotype. Last evaluated: 2025-07-28. Review status: criteria provided, single submitter. Criteria: Ambry Variant Classification Scheme 2023. Collection method: clinical testing. Allele origin: germline.
Comment: The p.T50A variant (also known as c.148A>G), located in coding exon 1 of the CBL gene, results from an A to G substitution at nucleotide position 148. The threonine at codon 50 is replaced by alanine, an amino acid with similar properties. This amino acid position is conserved. In addition, this alteration is predicted to be tolerated by in silico analysis. Based on the available evidence, the clinical significance of this variant remains unclear.